The following is an entry in ClinVar:

NC_000006.12:g.(?_64997572)_(64997713_?)dup

Gene: EYS (eyes shut homolog; minus strand). Cytogenetic location: 6q12.
Variant type: Duplication.
Identifiers: ClinVar variation 833324 (VCV000833324.1).

ClinVar aggregate classification (germline): Likely pathogenic (1 of 4 stars; one submission).

Submission:

Labcorp Genetics (formerly Invitae), Labcorp
Classification: Likely pathogenic. Last evaluated: 2019-10-15. Review status: criteria provided, single submitter. Criteria: Invitae Variant Classification Sherloc (09022015). Collection method: clinical testing. Allele origin: germline.
Comment: This variant results in a copy number gain of the genomic region encompassing exon 14 of the EYS gene. While the exact position of this variant cannot be determined from this data, sub-genic copy number gains are generally in tandem (PMID: 25640679) and may result in an absent or disrupted protein product. This variant has not been reported in the literature in individuals with EYS-related conditions. Loss-of-function variants in EYS are known to be pathogenic (PMID: 18836446, 20333770). In summary, the currently available evidence indicates that the variant is pathogenic, but additional data are needed to prove that conclusively. Therefore, this variant has been classified as Likely Pathogenic.